The following is an entry in ClinVar:

NM_001127222.2(CACNA1A):c.3039C>G (p.Tyr1013Ter)

Gene: CACNA1A (calcium voltage-gated channel subunit alpha1 A; minus strand). Cytogenetic location: 19p13.13.
Variant type: single nucleotide variant.
Coding change: c.3039C>G on transcript NM_001127222.2 (MANE Select); coding-DNA position 3039, C replaced by G.
Protein change: p.Tyr1013Ter; replaces tyrosine 1013 with a stop codon.
Molecular consequence: nonsense.
Genome position (GRCh38, 1-based): chr19:13,298,594, G>C on the plus strand (C>G on the coding strand, the complement: CACNA1A is on the minus strand). VCF-style: chr19-13298594-G-C. GRCh37 (hg19) VCF-style: chr19-13409408-G-C.
Other names: c.3051C>G, p.Tyr1017Ter (NM_000068.4, NM_023035.3); c.3042C>G, p.Tyr1014Ter (NM_001127221.2, NM_001174080.2); short protein forms Y1014*, Y1017*, Y1013*.
Identifiers: ClinVar variation 1027685 (VCV001027685.1), dbSNP rs1568507151, ClinGen allele CA404342198.

ClinVar aggregate classification (germline): Pathogenic (1 of 4 stars; one submission).

Conditions:
Episodic ataxia type 2 (EA2). Also called: ACETAZOLAMIDE-RESPONSIVE HEREDITARY PAROXYSMAL CEREBELLAR ATAXIA; ATAXIA, EPISODIC, WITH NYSTAGMUS; ATAXIA, FAMILIAL PAROXYSMAL; CEREBELLAR ATAXIA, PAROXYSMAL, ACETAZOLAMIDE-RESPONSIVE; CEREBELLOPATHY, HEREDITARY PAROXYSMAL; EPISODIC ATAXIA, NYSTAGMUS-ASSOCIATED. Identifiers: Orphanet 97, MedGen C1720416, MONDO:0007163, OMIM 108500.

Submission:

Baylor Genetics
Classification: Pathogenic for Episodic ataxia type 2. Last evaluated: 2019-12-03. Review status: criteria provided, single submitter. Criteria: ACMG Guidelines, 2015. Collection method: clinical testing. Allele origin: de novo. Affected: yes.
Comment: This variant was determined to be pathogenic according to ACMG Guidelines, 2015 [PMID:25741868].